The following is an entry in ClinVar:

ClinVar aggregate classification (germline): Likely pathogenic. Review status: reviewed by expert panel (3 of 4 stars). 7 submissions from 7 submitters: Likely pathogenic (1). 6 of the submissions do not count toward it. Last evaluated 2023-08-24.

Conditions:
Hereditary cancer-predisposing syndrome. Also called: Neoplastic Syndromes, Hereditary; Hereditary neoplastic syndrome; Tumor predisposition; Hereditary Cancer Syndrome. Identifiers: Orphanet 140162, MedGen C0027672, MeSH D009386, MONDO:0015356.
CDH1-related diffuse gastric and lobular breast cancer syndrome. Also called: CDH1-related diffuse gastric and lobular breast cancer. Identifiers: MedGen CN311521, MONDO:0100488.
Hereditary diffuse gastric adenocarcinoma (HDGC). Also called: DIFFUSE GASTRIC AND LOBULAR BREAST CANCER SYNDROME. Identifiers: Orphanet 26106, MedGen C1708349, MONDO:0007648, OMIM 137215.
Familial cancer of breast. Also called: BREAST CANCER, FAMILIAL; hereditary breast carcinoma; Hereditary breast cancer. Identifiers: Orphanet 227535, MedGen C0346153, MONDO:0016419, OMIM 114480. Disease mechanism: loss of function.

Allele frequency attached by ClinVar (database versions not stated): TOPMed below 0.00001.

Submissions (7):

Clingen Gastric Cancer Variant Curation Expert Panel
Classification: Likely pathogenic for CDH1-related diffuse gastric and lobular breast cancer syndrome. Last evaluated: 2023-08-24. Review status: reviewed by expert panel. Criteria: ClinGen CDH1 ACMG Specifications V3.1. Collection method: curation. Allele origin: germline. Inheritance: Autosomal dominant inheritance.
Comment: The c.2165-1G>C variant is a canonical splice variant predicted to result in a truncated or absent protein (PVS1_strong, PM5_Supporting). The variant is absent in the gnomAD cohort (PM2_supporting). The variant has been reported in one proband meeting clinical criteria for HDGC (PS4_supporting; Ambry). In summary, this variant meets criteria to be classified as likely pathogenic based on the ACMG/AMP criteria applied as specified by the CDH1 Variant Curation Expert Panel (Variant Interpretation Guidelines Version 3.1): PVS1_strong, PS4_supporting, PM2_supporting, PM5_Supporting.

Labcorp Genetics (formerly Invitae), Labcorp
Classification: Pathogenic for Hereditary diffuse gastric adenocarcinoma. Last evaluated: 2025-09-27. Review status: criteria provided, single submitter. Criteria: Invitae Variant Classification Sherloc (09022015). Collection method: clinical testing. Allele origin: germline. Not counted in ClinVar's aggregate classification.
Comment: This sequence change affects an acceptor splice site in intron 13 of the CDH1 gene. RNA analysis indicates that disruption of this splice site induces altered splicing and may result in an absent or altered protein product. This variant is not present in population databases (gnomAD no frequency). Disruption of this splice site has been observed in individual(s) with hereditary diffuse gastric cancer (internal data). ClinVar contains an entry for this variant (Variation ID: 532459). Studies have shown that disruption of this splice site results in activation of a cryptic splice site, and produces a non-functional protein and/or introduces a premature termination codon (internal data). For these reasons, this variant has been classified as Pathogenic.

Ambry Genetics
Classification: Pathogenic for Hereditary cancer-predisposing syndrome. Last evaluated: 2024-02-21. Review status: criteria provided, single submitter. Criteria: Ambry Variant Classification Scheme 2023. Collection method: clinical testing. Allele origin: germline. Not counted in ClinVar's aggregate classification.
Comment: The c.2165-1G>C intronic pathogenic mutation results from a G to C substitution one nucleotide upstream from coding exon 14 of the CDH1 gene. This nucleotide position is highly conserved in available vertebrate species. In silico splice site analysis predicts that this alteration will weaken the native splice acceptor site and may result in the creation or strengthening of a novel splice acceptor site. RNA studies have demonstrated that this alteration results in abnormal splicing in the set of samples tested (Ambry internal data). This variant is considered to be rare based on population cohorts in the Genome Aggregation Database (gnomAD). Based on the supporting evidence, this alteration is interpreted as a disease-causing mutation.

Mayo Clinic Laboratories, Mayo Clinic
Classification: Likely pathogenic. Last evaluated: 2023-08-08. Review status: criteria provided, single submitter. Criteria: ACMG Guidelines, 2015. Collection method: clinical testing. Allele origin: germline. Observed: 1 variant allele. Not counted in ClinVar's aggregate classification.
Comment: PP5, PM2, PS4_supporting, PVS1_strong

Myriad Genetics, Inc.
Classification: Likely pathogenic for Hereditary diffuse gastric adenocarcinoma. Last evaluated: 2023-06-15. Review status: criteria provided, single submitter. Criteria: Myriad Autosomal Dominant, Autosomal Recessive and X-Linked Classification Criteria (2023). Collection method: clinical testing. Allele origin: unknown. Not counted in ClinVar's aggregate classification.
Comment: This variant is considered likely pathogenic. This variant occurs within a consensus splice junction and is predicted to result in abnormal mRNA splicing of either an out-of-frame exon or an in-frame exon necessary for protein stability and/or normal function.

GeneDx
Classification: Pathogenic. Last evaluated: 2023-03-24. Review status: criteria provided, single submitter. Criteria: GeneDx Variant Classification Process June 2021. Collection method: clinical testing. Allele origin: germline. Affected: yes. Not counted in ClinVar's aggregate classification.
Comment: Canonical splice site variant predicted to result in a null allele in a gene for which loss of function is a known mechanism of disease; Not observed at significant frequency in large population cohorts (gnomAD); Identified in individuals undergoing multi-gene panel testing who reported a personal and/or family history of breast, colorectal, and other cancers (Adib et al., 2022); This variant is associated with the following publications: (PMID: 36246616, 34949788)

Baylor Genetics
Classification: Pathogenic for Familial cancer of breast. Last evaluated: 2023-01-24. Review status: criteria provided, single submitter. Criteria: ACMG Guidelines, 2015. Collection method: clinical testing. Allele origin: unknown. Not counted in ClinVar's aggregate classification.

Literature cited by the submitters: PubMed 34949788 (cited by Mayo Clinic Laboratories, Mayo Clinic); PubMed 36246616 (cited by Mayo Clinic Laboratories, Mayo Clinic).

NM_004360.5(CDH1):c.2165-1G>C

Gene: CDH1 (cadherin 1; plus strand). Cytogenetic location: 16q22.1.
Variant type: single nucleotide variant.
Coding change: c.2165-1G>C on transcript NM_004360.5 (MANE Select); the canonical splice acceptor site of the intron before coding-DNA position 2165, G replaced by C.
Molecular consequence: splice acceptor variant.
Genome position (GRCh38, 1-based): chr16:68,828,173, G>C. VCF-style: chr16-68828173-G-C. GRCh37 (hg19) VCF-style: chr16-68862076-G-C.
Other names: c.617-1G>C (NM_001317185.2); c.200-1G>C (NM_001317186.2); c.1982-1G>C (NM_001317184.2).
Identifiers: ClinVar variation 532459 (VCV000532459.19), dbSNP rs1385720097, ClinGen allele CA396469209.